The following is an entry in ClinVar:

ClinVar aggregate classification (germline): Uncertain significance. Review status: criteria provided, multiple submitters, no conflicts (2 of 4 stars). 2 submissions from 2 submitters: Uncertain significance (2). Last evaluated 2022-07-12.

Conditions:
Retinitis pigmentosa (RP). Identifiers: Orphanet 791, MedGen C0035334, MeSH D012174, MONDO:0019200, OMIM 268000. Inheritance: Autosomal dominant, autosomal recessive and X linked inheritance.

Allele frequency attached by ClinVar (database versions not stated): gnomAD exomes below 0.00001; gnomAD 0.00001; TOPMed 0.00002.
gnomAD v4.1: 2 of 1,613,980 alleles (0.00012%); highest among the groups gnomAD compares: Admixed American, 0.0017%; no homozygotes.

Submissions (2):

Labcorp Genetics (formerly Invitae), Labcorp
Classification: Uncertain significance. Last evaluated: 2022-07-12. Review status: criteria provided, single submitter. Criteria: Invitae Variant Classification Sherloc (09022015). Collection method: clinical testing. Allele origin: germline.
Comment: In summary, the available evidence is currently insufficient to determine the role of this variant in disease. Therefore, it has been classified as a Variant of Uncertain Significance. Algorithms developed to predict the effect of missense changes on protein structure and function output the following: SIFT: "Tolerated"; PolyPhen-2: "Benign"; Align-GVGD: "Class C0". The isoleucine amino acid residue is found in multiple mammalian species, which suggests that this missense change does not adversely affect protein function. ClinVar contains an entry for this variant (Variation ID: 335660). This variant has not been reported in the literature in individuals affected with PCARE-related conditions. This variant is present in population databases (no rsID available, gnomAD no frequency). This sequence change replaces methionine, which is neutral and non-polar, with isoleucine, which is neutral and non-polar, at codon 500 of the PCARE protein (p.Met500Ile).

Illumina Laboratory Services, Illumina
Classification: Uncertain significance for Retinitis pigmentosa. Last evaluated: 2018-01-13. Review status: criteria provided, single submitter. Criteria: ICSL Variant Classification Criteria 13 December 2019. Collection method: clinical testing. Allele origin: germline.

NM_001029883.3(PCARE):c.1500G>A (p.Met500Ile)

Gene: PCARE (photoreceptor cilium actin regulator; minus strand). Cytogenetic location: 2p23.2.
Variant type: single nucleotide variant.
Coding change: c.1500G>A on transcript NM_001029883.3 (MANE Select); coding-DNA position 1500, G replaced by A.
Protein change: p.Met500Ile; replaces methionine 500 with isoleucine.
Molecular consequence: missense variant.
Genome position (GRCh38, 1-based): chr2:29,072,762, C>T on the plus strand (G>A on the coding strand, the complement: PCARE is on the minus strand). VCF-style: chr2-29072762-C-T. GRCh37 (hg19) VCF-style: chr2-29295628-C-T.
Other names: short protein forms M500I.
Identifiers: ClinVar variation 335660 (VCV000335660.11), dbSNP rs886055924, ClinGen allele CA10613117.